The following is an entry in ClinVar:

ClinVar aggregate classification (germline): Benign/Likely benign. Review status: criteria provided, multiple submitters, no conflicts (2 of 4 stars). 8 submissions from 8 submitters: Benign (7); Likely benign (1). Last evaluated 2026-02-04.

Conditions:
Autosomal recessive nonsyndromic hearing loss 8 (DFNB8). Also called: Deafness, autosomal recessive 10; NEUROSENSORY NONSYNDROMIC RECESSIVE DEAFNESS 8. Identifiers: Orphanet 90636, MedGen C1832827, MONDO:0010987, OMIM 601072.

Allele frequency attached by ClinVar (database versions not stated): ExAC 0.07319; gnomAD exomes 0.07563; ESP Exome Variant Server 0.08073; gnomAD 0.08425 and 0.08447; TOPMed 0.08837; 1000 Genomes Project 30x 0.09947; 1000 Genomes Project 0.10304.
gnomAD v4.1: 122,939 of 1,613,530 alleles (7.6%); highest among the groups gnomAD compares: East Asian, 24%; 5,653 homozygotes.

Submissions (8):

Labcorp Genetics (formerly Invitae), Labcorp
Classification: Benign. Last evaluated: 2026-02-04. Review status: criteria provided, single submitter. Criteria: Invitae Variant Classification Sherloc (09022015). Collection method: clinical testing. Allele origin: germline.

Blueprint Genetics
Classification: Likely benign. Last evaluated: 2024-11-28. Review status: criteria provided, single submitter. Criteria: ACMG Guidelines, 2015. Collection method: clinical testing. Allele origin: germline.

Mayo Clinic Laboratories, Mayo Clinic
Classification: Benign. Last evaluated: 2020-07-02. Review status: criteria provided, single submitter. Criteria: ACMG Guidelines, 2015. Collection method: clinical testing. Allele origin: germline. Observed: 21 variant alleles.

Illumina Laboratory Services, Illumina
Classification: Benign for Autosomal recessive nonsyndromic hearing loss 8. Last evaluated: 2018-03-06. Review status: criteria provided, single submitter. Criteria: ICSL Variant Classification Criteria 13 December 2019. Collection method: clinical testing. Allele origin: germline.
Comment: This variant was observed in the ICSL laboratory as part of a predisposition screen in an ostensibly healthy population. It had not been previously curated by ICSL or reported in the Human Gene Mutation Database (HGMD: prior to June 1st, 2018), and was therefore a candidate for classification through an automated scoring system. Utilizing variant allele frequency, disease prevalence and penetrance estimates, and inheritance mode, an automated score was calculated to assess if this variant is too frequent to cause the disease. Based on the score and internal cut-off values, a variant classified as benign is not then subjected to further curation. The score for this variant resulted in a classification of benign for this disease.

GeneDx
Classification: Benign. Last evaluated: 2017-05-09. Review status: criteria provided, single submitter. Criteria: GeneDx Variant Classification (06012015). Collection method: clinical testing. Allele origin: germline. Affected: yes.
Comment: This variant is considered likely benign or benign based on one or more of the following criteria: it is a conservative change, it occurs at a poorly conserved position in the protein, it is predicted to be benign by multiple in silico algorithms, and/or has population frequency not consistent with disease.

Laboratory for Molecular Medicine, Mass General Brigham Personalized Medicine
Classification: Benign. Last evaluated: 2009-06-23. Review status: criteria provided, single submitter. Criteria: LMM Criteria. Collection method: clinical testing. Allele origin: germline. Observed: 327 variant alleles.

Breakthrough Genomics
Classification: Benign. Review status: criteria provided, single submitter. Criteria: ACMG Guidelines, 2015. Collection method: not provided. Allele origin: germline. Inheritance: Autosomal recessive inheritance. Affected: yes.

PreventionGenetics, part of Exact Sciences
Classification: Benign. Review status: criteria provided, single submitter. Criteria: ACMG Guidelines, 2015. Collection method: clinical testing. Allele origin: germline.

Literature cited by the submitters: PubMed 11137999 (cited by Laboratory for Molecular Medicine, Mass General Brigham Personalized Medicine).

NM_001256317.3(TMPRSS3):c.157G>A (p.Val53Ile)

Gene: TMPRSS3 (transmembrane serine protease 3; minus strand). Cytogenetic location: 21q22.3.
Variant type: single nucleotide variant.
Coding change: c.157G>A on transcript NM_001256317.3 (MANE Select); coding-DNA position 157, G replaced by A.
Protein change: p.Val53Ile; replaces valine 53 with isoleucine.
Molecular consequence: missense variant.
Genome position (GRCh38, 1-based): chr21:42,389,975, C>T on the plus strand (G>A on the coding strand, the complement: TMPRSS3 is on the minus strand). VCF-style: chr21-42389975-C-T. GRCh37 (hg19) VCF-style: chr21-43810084-C-T.
Other names: c.157G>A, p.Val53Ile (NM_024022.4, NM_032405.2); c.157G>A (NM_024022.3); short protein forms V53I.
Identifiers: ClinVar variation 46105 (VCV000046105.20), dbSNP rs928302, ClinGen allele CA137692.
Genomic context (GRCh38, chr21:42,389,975, plus strand): 5'-AATTGTACTCACTGCCCAGACCAATGGCCAGTGCTAATATCAATGCAATGATCCCAATGA[C>T]GATGATTGGAAAAAACTTCAATGGCAGCAGTGACAGGATCTGTGCAGCAACAGCATCTGC-3'
Protein context (NP_001243246.1, residues 43-63): LLPLKFFPII[Val53Ile]IGIIALILAL